The following is an entry in ClinVar:

NM_000059.4(BRCA2):c.8603A>G (p.Lys2868Arg)

Gene: BRCA2 (BRCA2 DNA repair associated; plus strand). Cytogenetic location: 13q13.1.
Variant type: single nucleotide variant.
Coding change: c.8603A>G on transcript NM_000059.4 (MANE Select); coding-DNA position 8603, A replaced by G.
Protein change: p.Lys2868Arg; replaces lysine 2868 with arginine.
Molecular consequence: missense variant.
Genome position (GRCh38, 1-based): chr13:32,371,071, A>G. VCF-style: chr13-32371071-A-G. GRCh37 (hg19) VCF-style: chr13-32945208-A-G.
Other names: short protein forms K2868R.
Identifiers: ClinVar variation 441395 (VCV000441395.21), dbSNP rs759784406, ClinGen allele CA6941262.
Genomic context (GRCh38, chr13:32,371,071, plus strand): 5'-AAAAGGAAGCAGCAAAATATGTGGAGGCCCAACAAAAGAGACTAGAAGCCTTATTCACTA[A>G]AATTCAGGAGGAATTTGAAGAACATGAAGGTAAAATTAGTTATATGGTACACATTGTTAT-3'
Protein context (NP_000050.3, residues 2858-2878): QQKRLEALFT[Lys2868Arg]IQEEFEEHEE

ClinVar aggregate classification (germline): Uncertain significance. Review status: criteria provided, multiple submitters, no conflicts (2 of 4 stars). 5 submissions from 5 submitters: Uncertain significance (5). Last evaluated 2025-12-28.

Conditions:
Breast-ovarian cancer, familial, susceptibility to, 2 (BROVCA2). Also called: BRCA2 Hereditary Breast and Ovarian Cancer. Identifiers: Orphanet 145, MedGen C2675520, MONDO:0012933, OMIM 612555. Disease mechanism: loss of function.
Hereditary cancer-predisposing syndrome. Also called: Hereditary Cancer Syndrome; Hereditary neoplastic syndrome; Tumor predisposition; Neoplastic Syndromes, Hereditary. Identifiers: Orphanet 140162, MedGen C0027672, MeSH D009386, MONDO:0015356.
Hereditary breast ovarian cancer syndrome. Also called: Hereditary breast and ovarian cancer syndrome; BRCA1- and BRCA2-Associated Hereditary Breast and Ovarian Cancer; Hereditary breast and ovarian cancer syndrome (HBOC); Hereditary breast and/or ovarian cancer syndrome; Hereditary breast and ovarian cancer; Breast and ovarian cancer. Identifiers: Orphanet 145, MedGen C0677776, MeSH D061325, MONDO:0003582. Disease mechanism: loss of function.
Familial cancer of breast. Also called: hereditary breast carcinoma; BREAST CANCER, FAMILIAL; Hereditary breast cancer. Identifiers: Orphanet 227535, MedGen C0346153, MONDO:0016419, OMIM 114480. Disease mechanism: loss of function.

Allele frequency attached by ClinVar (database versions not stated): TOPMed below 0.00001; gnomAD exomes 0.00001 and 0.00002; ExAC 0.00002.
gnomAD v4.1: 4 of 1,614,152 alleles (0.00025%); highest among the groups gnomAD compares: Admixed American, 0.0067%; no homozygotes.

Submissions (5):

Labcorp Genetics (formerly Invitae), Labcorp
Classification: Uncertain significance for Hereditary breast ovarian cancer syndrome. Last evaluated: 2025-12-28. Review status: criteria provided, single submitter. Criteria: Invitae Variant Classification Sherloc (09022015). Collection method: clinical testing. Allele origin: germline.
Comment: This sequence change replaces lysine, which is basic and polar, with arginine, which is basic and polar, at codon 2868 of the BRCA2 protein (p.Lys2868Arg). This variant is present in population databases (rs759784406, gnomAD 0.01%). This variant has not been reported in the literature in individuals affected with BRCA2-related conditions. ClinVar contains an entry for this variant (Variation ID: 441395). Invitae Evidence Modeling of protein sequence and biophysical properties (such as structural, functional, and spatial information, amino acid conservation, physicochemical variation, residue mobility, and thermodynamic stability) indicates that this missense variant is not expected to disrupt BRCA2 protein function with a negative predictive value of 95%. In summary, the available evidence is currently insufficient to determine the role of this variant in disease. Therefore, it has been classified as a Variant of Uncertain Significance.

Ambry Genetics
Classification: Uncertain significance for Hereditary cancer-predisposing syndrome. Last evaluated: 2024-12-22. Review status: criteria provided, single submitter. Criteria: Ambry Variant Classification Scheme 2023. Collection method: clinical testing. Allele origin: germline.
Comment: The p.K2868R variant (also known as c.8603A>G), located in coding exon 19 of the BRCA2 gene, results from an A to G substitution at nucleotide position 8603. The lysine at codon 2868 is replaced by arginine, an amino acid with highly similar properties. This amino acid position is well conserved in available vertebrate species. In addition, the in silico prediction for this alteration is inconclusive. Since supporting evidence is limited at this time, the clinical significance of this alteration remains unclear.

Baylor Genetics
Classification: Uncertain significance for Familial cancer of breast. Last evaluated: 2024-01-09. Review status: criteria provided, single submitter. Criteria: ACMG Guidelines, 2015. Collection method: clinical testing. Allele origin: unknown.

All of Us Research Program, National Institutes of Health
Classification: Uncertain significance for Breast-ovarian cancer, familial, susceptibility to, 2. Last evaluated: 2023-12-18. Review status: criteria provided, single submitter. Criteria: ACMG Guidelines, 2015. Collection method: clinical testing. Allele origin: germline. Inheritance: Autosomal dominant inheritance. Observed: 1 variant allele, 1 heterozygote.
Comment: This missense variant replaces lysine with arginine at codon 2868 of the BRCA2 protein. Computational prediction suggests that this variant may not impact protein structure and function (internally defined REVEL score threshold <= 0.5, PMID: 27666373). To our knowledge, functional studies have not been reported for this variant. This variant has not been reported in individuals affected with BRCA2-related disorders in the literature. This variant has been identified in 4/251142 chromosomes in the general population by the Genome Aggregation Database (gnomAD). The available evidence is insufficient to determine the role of this variant in disease conclusively. Therefore, this variant is classified as a Variant of Uncertain Significance.

This study involves interpretation of variants in research participants for the purpose of population health screening. Participant phenotype was not available at the time of variant classification. Additional details can be found in publication PMID: 35346344, PMCID: PMC8962531

GeneDx
Classification: Uncertain significance. Last evaluated: 2022-08-18. Review status: criteria provided, single submitter. Criteria: GeneDx Variant Classification Process June 2021. Collection method: clinical testing. Allele origin: germline. Affected: yes.
Comment: Not observed at significant frequency in large population cohorts (gnomAD); In silico analysis supports that this missense variant does not alter protein structure/function; Has not been previously published as pathogenic or benign to our knowledge; Also known as 8831A>G; This variant is associated with the following publications: (PMID: 12228710)